The following is an entry in ClinVar:

NM_000179.3(MSH6):c.1787T>G (p.Phe596Cys)

Gene: MSH6 (mutS homolog 6; plus strand). Cytogenetic location: 2p16.3.
Variant type: single nucleotide variant.
Coding change: c.1787T>G on transcript NM_000179.3 (MANE Select); coding-DNA position 1787, T replaced by G.
Protein change: p.Phe596Cys; replaces phenylalanine 596 with cysteine.
Molecular consequence: missense variant.
Genome position (GRCh38, 1-based): chr2:47,799,770, T>G. VCF-style: chr2-47799770-T-G. GRCh37 (hg19) VCF-style: chr2-48026909-T-G.
Other names: c.1397T>G, p.Phe466Cys (NM_001281492.2); c.881T>G, p.Phe294Cys (NM_001281493.2, NM_001281494.2); short protein forms F596C, F294C, F466C.
Identifiers: ClinVar variation 863759 (VCV000863759.13), dbSNP rs1064793774, ClinGen allele CA346749273.
Genomic context (GRCh38, chr2:47,799,770, plus strand): 5'-ATCGCCATTGTTCGAGATTTAGGACTCTAGTGGCACACTATCCCCCAGTACAAGTTTTAT[T>G]TGAAAAAGGAAATCTCTCAAAGGAAACTAAAACAATTCTAAAGAGTTCATTGTCCTGTTC-3'
Protein context (NP_000170.1, residues 586-606): VAHYPPVQVL[Phe596Cys]EKGNLSKETK

ClinVar aggregate classification (germline): Uncertain significance. Review status: criteria provided, multiple submitters, no conflicts (2 of 4 stars). 2 submissions from 2 submitters: Uncertain significance (2). Last evaluated 2023-05-08.

Conditions:
Hereditary nonpolyposis colorectal neoplasms. Identifiers: MedGen C0009405, MeSH D003123.
Hereditary cancer-predisposing syndrome. Also called: Hereditary Cancer Syndrome; Tumor predisposition; Neoplastic Syndromes, Hereditary; Hereditary neoplastic syndrome. Identifiers: Orphanet 140162, MedGen C0027672, MeSH D009386, MONDO:0015356.

Submissions (2):

Ambry Genetics
Classification: Uncertain significance for Hereditary cancer-predisposing syndrome. Last evaluated: 2023-05-08. Review status: criteria provided, single submitter. Criteria: Ambry Variant Classification Scheme 2023. Collection method: clinical testing. Allele origin: germline.
Comment: The p.F596C variant (also known as c.1787T>G), located in coding exon 4 of the MSH6 gene, results from a T to G substitution at nucleotide position 1787. The phenylalanine at codon 596 is replaced by cysteine, an amino acid with highly dissimilar properties. This amino acid position is well conserved in available vertebrate species. In addition, this alteration is predicted to be deleterious by in silico analysis. Since supporting evidence is limited at this time, the clinical significance of this alteration remains unclear.

Labcorp Genetics (formerly Invitae), Labcorp
Classification: Uncertain significance for Hereditary nonpolyposis colorectal neoplasms. Last evaluated: 2019-03-12. Review status: criteria provided, single submitter. Criteria: Invitae Variant Classification Sherloc (09022015). Collection method: clinical testing. Allele origin: germline.
Comment: In summary, the available evidence is currently insufficient to determine the role of this variant in disease. Therefore, it has been classified as a Variant of Uncertain Significance. Algorithms developed to predict the effect of missense changes on protein structure and function are either unavailable or do not agree on the potential impact of this missense change (SIFT: "Deleterious"; PolyPhen-2: "Possibly Damaging"; Align-GVGD: "Class C15"). This variant has not been reported in the literature in individuals with MSH6-related conditions. This variant is not present in population databases (ExAC no frequency). This sequence change replaces phenylalanine with cysteine at codon 596 of the MSH6 protein (p.Phe596Cys). The phenylalanine residue is moderately conserved and there is a large physicochemical difference between phenylalanine and cysteine.